The following is an entry in ClinVar:

ClinVar aggregate classification (germline): Uncertain significance. Review status: criteria provided, multiple submitters, no conflicts (2 of 4 stars). 3 submissions from 3 submitters: Uncertain significance (2). 1 of the submissions does not count toward it. Last evaluated 2025-09-11.

Conditions:
Methylmalonic aciduria due to complete methylmalonyl-CoA mutase deficiency.

Allele frequency attached by ClinVar (database versions not stated): ExAC 0.00001; gnomAD 0.00002; gnomAD exomes 0.00003 and 0.00004.
gnomAD v4.1: 60 of 1,606,974 alleles (0.0037%); highest among the groups gnomAD compares: Non-Finnish European, 0.0048%; no homozygotes.

Submissions (3):

Labcorp Genetics (formerly Invitae), Labcorp
Classification: Uncertain significance. Last evaluated: 2025-09-11. Review status: criteria provided, single submitter. Criteria: Invitae Variant Classification Sherloc (09022015). Collection method: clinical testing. Allele origin: germline.
Comment: This sequence change replaces arginine, which is basic and polar, with glutamine, which is neutral and polar, at codon 511 of the MUT protein (p.Arg511Gln). This variant is present in population databases (rs776065390, gnomAD 0.006%). This missense change has been observed in individual(s) with clinical features of methylmalonic aciduria (PMID: 26827111). ClinVar contains an entry for this variant (Variation ID: 969709). Invitae Evidence Modeling of protein sequence and biophysical properties (such as structural, functional, and spatial information, amino acid conservation, physicochemical variation, residue mobility, and thermodynamic stability) has been performed for this missense variant. However, the output from this modeling did not meet the statistical confidence thresholds required to predict the impact of this variant on MUT protein function. In summary, the available evidence is currently insufficient to determine the role of this variant in disease. Therefore, it has been classified as a Variant of Uncertain Significance.

Women's Health and Genetics/Laboratory Corporation of America, LabCorp
Classification: Uncertain significance. Last evaluated: 2025-03-07. Review status: criteria provided, single submitter. Criteria: LabCorp Variant Classification Summary - May 2015. Collection method: clinical testing. Allele origin: germline.
Comment: Variant summary: MMUT c.1532G>A (p.Arg511Gln) results in a conservative amino acid change in the encoded protein sequence. Four of five in-silico tools predict a damaging effect of the variant on protein function. The variant allele was found at a frequency of 2.8e-05 in 249518 control chromosomes (gnomAD). The available data on variant occurrences in the general population are insufficient to allow any conclusion about variant significance. c.1532G>A has been reported in the literature in an individual affected with Methylmalonic Acidemia (Pupuvac_2015). This report does not provide unequivocal conclusions about association of the variant with Methylmalonic Acidemia. To our knowledge, no experimental evidence demonstrating an impact on protein function has been reported. The following publication has been ascertained in the context of this evaluation (PMID: 26827111). ClinVar contains an entry for this variant (Variation ID: 969709). Based on the evidence outlined above, the variant was classified as uncertain significance.

Natera, Inc.
Classification: Uncertain significance for Methylmalonic aciduria due to complete methylmalonyl-CoA mutase deficiency. Last evaluated: 2020-08-03. Review status: no assertion criteria provided. Collection method: clinical testing. Allele origin: germline. Not counted in ClinVar's aggregate classification.

Literature cited by the submitters: PubMed 26827111 (cited by Labcorp Genetics (formerly Invitae), Labcorp and Women's Health and Genetics/Laboratory Corporation of America, LabCorp).

NM_000255.4(MMUT):c.1532G>A (p.Arg511Gln)

Gene: MMUT (methylmalonyl-CoA mutase; minus strand). Cytogenetic location: 6p12.3.
Variant type: single nucleotide variant.
Coding change: c.1532G>A on transcript NM_000255.4 (MANE Select); coding-DNA position 1532, G replaced by A.
Protein change: p.Arg511Gln; replaces arginine 511 with glutamine.
Molecular consequence: missense variant.
Genome position (GRCh38, 1-based): chr6:49,447,698, C>T on the plus strand (G>A on the coding strand, the complement: MMUT is on the minus strand). VCF-style: chr6-49447698-C-T. GRCh37 (hg19) VCF-style: chr6-49415411-C-T.
Other names: short protein forms R511Q.
Identifiers: ClinVar variation 969709 (VCV000969709.7), dbSNP rs776065390, ClinGen allele CA3846854.